The following is an entry in ClinVar:

NM_004064.5(CDKN1B):c.445_446delinsTT (p.Ala149Leu)

Gene: CDKN1B (cyclin dependent kinase inhibitor 1B; plus strand). Cytogenetic location: 12p13.1.
Variant type: Indel.
Coding change: c.445_446delinsTT on transcript NM_004064.5 (MANE Select); coding-DNA positions 445 to 446, GC replaced by TT.
Protein change: p.Ala149Leu; replaces alanine 149 with leucine.
Molecular consequence: missense variant.
Genome position (GRCh38, 1-based): chr12:12,718,284-12,718,285, GC replaced by TT. VCF-style: chr12-12718284-GC-TT. GRCh37 (hg19) VCF-style: chr12-12871218-GC-TT.
Other names: c.445_446delGCinsTT (NM_004064.4); short protein forms A149L.
Identifiers: ClinVar variation 404271 (VCV000404271.9), dbSNP rs1060500188, ClinGen allele CA16613548.

ClinVar aggregate classification (germline): Uncertain significance (1 of 4 stars; one submission).

Conditions:
Multiple endocrine neoplasia type 4. Also called: MULTIPLE ENDOCRINE NEOPLASIA, TYPE IV. Identifiers: Orphanet 276152, MedGen C1970712, MONDO:0012552, OMIM 610755.

Submission:

Labcorp Genetics (formerly Invitae), Labcorp
Classification: Uncertain significance for Multiple endocrine neoplasia type 4. Last evaluated: 2019-03-14. Review status: criteria provided, single submitter. Criteria: Invitae Variant Classification Sherloc (09022015). Collection method: clinical testing. Allele origin: germline.
Comment: This variant is not present in population databases (ExAC no frequency) and has not been reported in the literature in individuals with a CDKN1B-related disease. This sequence change replaces alanine with leucine at codon 149 of the CDKN1B protein (p.Ala149Leu). The alanine residue is weekly conserved and there is a moderate physicochemical difference between alanine and leucine. Algorithms developed to predict the effect of missense changes on protein structure and function (SIFT, PolyPhen-2, Align-GVGD) all suggest that this variant is likely to be tolerated, but these predictions have not been confirmed by published functional studies. In summary, this variant is a novel missense change that is not predicted to affect protein function. There is no indication that it causes disease, but the available evidence is currently insufficient to prove that conclusively. Therefore, it has been classified as a Variant of Uncertain Significance.